The following is an entry in ClinVar:

NM_152305.3(POGLUT1):c.176+4A>C

Gene: POGLUT1 (protein O-glucosyltransferase 1; plus strand). Cytogenetic location: 3q13.33.
Variant type: single nucleotide variant.
Coding change: c.176+4A>C on transcript NM_152305.3 (MANE Select); 4 bases into the intron after coding-DNA position 176, A replaced by C.
Molecular consequence: intron variant.
Genome position (GRCh38, 1-based): chr3:119,469,914, A>C. VCF-style: chr3-119469914-A-C. GRCh37 (hg19) VCF-style: chr3-119188761-A-C.
Identifiers: ClinVar variation 2905251 (VCV002905251.3), dbSNP rs749193424, ClinGen allele CA2554763.

ClinVar aggregate classification (germline): Uncertain significance (1 of 4 stars; one submission).

Allele frequency attached by ClinVar (database versions not stated): gnomAD exomes below 0.00001; ExAC 0.00002.
gnomAD v4.1: 5 of 1,539,970 alleles (0.00032%); highest among the groups gnomAD compares: Middle Eastern, 0.034%; no homozygotes.

Submission:

Labcorp Genetics (formerly Invitae), Labcorp
Classification: Uncertain significance. Last evaluated: 2022-12-23. Review status: criteria provided, single submitter. Criteria: Invitae Variant Classification Sherloc (09022015). Collection method: clinical testing. Allele origin: germline.
Comment: This sequence change falls in intron 2 of the POGLUT1 gene. It does not directly change the encoded amino acid sequence of the POGLUT1 protein. It affects a nucleotide within the consensus splice site. This variant is present in population databases (rs749193424, gnomAD 0.002%). This variant has not been reported in the literature in individuals affected with POGLUT1-related conditions. Variants that disrupt the consensus splice site are a relatively common cause of aberrant splicing (PMID: 17576681, 9536098). Algorithms developed to predict the effect of sequence changes on RNA splicing suggest that this variant may disrupt the consensus splice site. In summary, the available evidence is currently insufficient to determine the role of this variant in disease. Therefore, it has been classified as a Variant of Uncertain Significance.

Literature cited by the submitters: PubMed 17576681; PubMed 9536098.